The following is an entry in ClinVar:

NM_001308093.3(GATA4):c.253G>C (p.Gly85Arg)

Gene: GATA4 (GATA binding protein 4). Cytogenetic location: 8p23.1.
Variant type: single nucleotide variant.
Coding change: c.253G>C on transcript NM_001308093.3 (MANE Select); coding-DNA position 253, G replaced by C.
Protein change: p.Gly85Arg; replaces glycine 85 with arginine.
Molecular consequence: missense variant. On other transcripts: intron variant (3).
Genome position (GRCh38, 1-based): chr8:11,708,565, G>C. VCF-style: chr8-11708565-G-C. GRCh37 (hg19) VCF-style: chr8-11566074-G-C.
Other names: c.253G>C, p.Gly85Arg (NM_002052.5); c.-6+7787G>C (NM_001308094.2); c.-3+551G>C (NM_001374274.1); c.-3+4261G>C (NM_001374273.1); short protein forms G85R.
Identifiers: ClinVar variation 3280848 (VCV003280848.1).

ClinVar aggregate classification (germline): Uncertain significance (1 of 4 stars; one submission).

Conditions:
Cardiovascular phenotype. Identifiers: MedGen CN230736.

gnomAD v4.1: 1 of 1,385,144 alleles (0.000072%); highest among the groups gnomAD compares: Non-Finnish European, 0.000093%; no homozygotes.

Submission:

Ambry Genetics
Classification: Uncertain significance for Cardiovascular phenotype. Last evaluated: 2024-04-14. Review status: criteria provided, single submitter. Criteria: Ambry Variant Classification Scheme 2023. Collection method: clinical testing. Allele origin: germline.
Comment: The p.G85R variant (also known as c.253G>C), located in coding exon 1 of the GATA4 gene, results from a G to C substitution at nucleotide position 253. The glycine at codon 85 is replaced by arginine, an amino acid with dissimilar properties. This amino acid position is conserved. In addition, the in silico prediction for this alteration is inconclusive. Based on the available evidence, the clinical significance of this variant remains unclear.